The following is an entry in ClinVar:

NM_004565.3(PEX14):c.854_859dup (p.Ser286_Thr287insSerSer)

Gene: PEX14 (peroxisomal biogenesis factor 14; plus strand). Cytogenetic location: 1p36.22.
Variant type: Duplication.
Coding change: c.854_859dup on transcript NM_004565.3 (MANE Select); coding-DNA positions 854 to 859, 6 bases duplicated (GCTCCA; older notation c.854_859dupGCTCCA).
Protein change: p.Ser286_Thr287insSerSer.
Molecular consequence: inframe insertion.
Genome position (GRCh38, 1-based): chr1:10,629,707-10,629,712, GCTCCA duplicated. VCF-style (leftmost placement, unchanged base first): chr1-10629706-G-GGCTCCA. GRCh37 (hg19) VCF-style: chr1-10689763-G-GGCTCCA.
Identifiers: ClinVar variation 1008283 (VCV001008283.8), dbSNP rs1641856216, ClinGen allele CA1153293981.

ClinVar aggregate classification (germline): Uncertain significance (1 of 4 stars; one submission).

Conditions:
Peroxisome biogenesis disorder, complementation group K (CGK). Identifiers: MedGen C1866257, MONDO:0800365.

Submission:

Labcorp Genetics (formerly Invitae), Labcorp
Classification: Uncertain significance for Peroxisome biogenesis disorder, complementation group K. Last evaluated: 2020-07-22. Review status: criteria provided, single submitter. Criteria: Invitae Variant Classification Sherloc (09022015). Collection method: clinical testing. Allele origin: germline.
Comment: In summary, the available evidence is currently insufficient to determine the role of this variant in disease. Therefore, it has been classified as a Variant of Uncertain Significance. Experimental studies and prediction algorithms are not available or were not evaluated, and the functional significance of this variant is currently unknown. This variant has not been reported in the literature in individuals with PEX14-related conditions. This variant is not present in population databases (ExAC no frequency). This variant, c.854_859dup, results in the insertion of 2 amino acid(s) to the PEX14 protein (p.Ser286_Thr287insSerSer), but otherwise preserves the integrity of the reading frame.